The following is an entry in ClinVar:

NM_033004.4(NLRP1):c.590G>C (p.Arg197Thr)

Gene: NLRP1 (NLR family pyrin domain containing 1; minus strand). Cytogenetic location: 17p13.2.
Variant type: single nucleotide variant.
Coding change: c.590G>C on transcript NM_033004.4 (MANE Select); coding-DNA position 590, G replaced by C.
Protein change: p.Arg197Thr; replaces arginine 197 with threonine.
Molecular consequence: missense variant.
Genome position (GRCh38, 1-based): chr17:5,581,921, C>G on the plus strand (G>C on the coding strand, the complement: NLRP1 is on the minus strand). VCF-style: chr17-5581921-C-G. GRCh37 (hg19) VCF-style: chr17-5485241-C-G.
Other names: c.590G>C, p.Arg197Thr (NM_001033053.3, NM_014922.5, NM_033006.4 and 1 more transcripts); short protein forms R197T.
Identifiers: ClinVar variation 3726692 (VCV003726692.2).
Genomic context (GRCh38, chr17:5,581,921, plus strand): 5'-GTGTAGTAAATTCCTGACGTTTCATCCAGAGGCCATTGGGTCCCAGGAGCCTCCTGCTCT[C>G]TGGGTGCTAGGCTGGGCTGAGGTGGGGATCCCCAGCTCCCCAGCACTGCTGTGGATGTGG-3'
Protein context (NP_127497.1, residues 187-207): GSPPQPSLAP[Arg197Thr]EQEAPGTQWP

ClinVar aggregate classification (germline): Uncertain significance (1 of 4 stars; one submission).

Submission:

Labcorp Genetics (formerly Invitae), Labcorp
Classification: Uncertain significance. Last evaluated: 2025-11-10. Review status: criteria provided, single submitter. Criteria: Invitae Variant Classification Sherloc (09022015). Collection method: clinical testing. Allele origin: germline.
Comment: This sequence change replaces arginine, which is basic and polar, with threonine, which is neutral and polar, at codon 197 of the NLRP1 protein (p.Arg197Thr). This variant is not present in population databases (gnomAD no frequency). This variant has not been reported in the literature in individuals affected with NLRP1-related conditions. ClinVar contains an entry for this variant (Variation ID: 3726692). An algorithm developed to predict the effect of missense changes on protein structure and function (PolyPhen-2) suggests that this variant is likely to be tolerated. In summary, the available evidence is currently insufficient to determine the role of this variant in disease. Therefore, it has been classified as a Variant of Uncertain Significance.